The following is an entry in ClinVar:

ClinVar aggregate classification (germline): Likely benign (1 of 4 stars; one submission).

Conditions:
Melanoma, cutaneous malignant, susceptibility to, 3. Also called: Cutaneous malignant melanoma 3. Identifiers: Orphanet 618, MedGen C1836892, MONDO:0012183, OMIM 609048.

Submission:

Myriad Genetics, Inc.
Classification: Likely benign for Melanoma, cutaneous malignant, susceptibility to, 3. Last evaluated: 2024-09-26. Review status: criteria provided, single submitter. Criteria: Myriad Autosomal Dominant, Autosomal Recessive and X-Linked Classification Criteria (2023). Collection method: clinical testing. Allele origin: unknown.
Comment: This variant is considered likely benign. This variant is intronic and is not expected to impact mRNA splicing.

NM_000075.4(CDK4):c.820-17T>C

Genes: TSPAN31 (tetraspanin 31; plus strand), MIR6759 (microRNA 6759; minus strand), CDK4 (cyclin dependent kinase 4; minus strand). Cytogenetic location: 12q14.1.
Variant type: single nucleotide variant.
Coding change: c.820-17T>C on transcript NM_000075.4 (MANE Select); 17 bases into the intron before coding-DNA position 820, T replaced by C.
Molecular consequence: intron variant. On other transcripts: non-coding transcript variant (1), 3 prime UTR variant (3).
Genome position (GRCh38, 1-based): chr12:57,748,634, A>G on the plus strand (T>C on the coding strand, the complement: CDK4 is on the minus strand). VCF-style: chr12-57748634-A-G. GRCh37 (hg19) VCF-style: chr12-58142417-A-G.
Other names: c.*1344A>G (NM_001330168.2, NM_001330169.2, NM_005981.5).
Identifiers: ClinVar variation 3379277 (VCV003379277.1).